The following is an entry in ClinVar:

NM_004991.4(MECOM):c.3322A>G (p.Asn1108Asp)

Gene: MECOM (MDS1 and EVI1 complex locus; minus strand). Cytogenetic location: 3q26.2.
Variant type: single nucleotide variant.
Coding change: c.3322A>G on transcript NM_004991.4 (MANE Select); coding-DNA position 3322, A replaced by G.
Protein change: p.Asn1108Asp; replaces asparagine 1108 with aspartic acid.
Molecular consequence: missense variant.
Genome position (GRCh38, 1-based): chr3:169,090,079, T>C on the plus strand (A>G on the coding strand, the complement: MECOM is on the minus strand). VCF-style: chr3-169090079-T-C. GRCh37 (hg19) VCF-style: chr3-168807867-T-C.
Other names: c.2731A>G, p.Asn911Asp (NM_001366472.2, NM_001164000.2, NM_001366471.2); c.2323A>G, p.Asn775Asp (NM_001366473.2); c.1759A>G, p.Asn587Asp (NM_001366474.2); c.2758A>G, p.Asn920Asp (NM_005241.4, NM_001205194.2, NM_001366469.2 and 1 more transcripts); c.2734A>G, p.Asn912Asp (NM_001163999.2, NM_001366470.2); c.3295A>G, p.Asn1099Asp (NM_001366466.2); c.2761A>G, p.Asn921Asp (NM_001366467.2, NM_001366468.2); c.2953A>G, p.Asn985Asp (NM_001105077.4); and 1 more; short protein forms N775D, N587D, N911D, N920D, N1108D, N921D, N985D, N1099D.
Identifiers: ClinVar variation 3682333 (VCV003682333.3).

ClinVar aggregate classification (germline): Uncertain significance. Review status: criteria provided, multiple submitters, no conflicts (2 of 4 stars). 2 submissions from 2 submitters: Uncertain significance (2). Last evaluated 2025-07-02.

Conditions:
Inborn genetic diseases. Identifiers: MedGen C0950123, MeSH D030342.

gnomAD v4.1: 2 of 1,613,700 alleles (0.00012%); highest among the groups gnomAD compares: South Asian, 0.0011%; no homozygotes.

Submissions (2):

Ambry Genetics
Classification: Uncertain significance for Inborn genetic diseases. Last evaluated: 2025-07-02. Review status: criteria provided, single submitter. Criteria: Ambry Variant Classification Scheme 2023. Collection method: clinical testing. Allele origin: germline.
Comment: The p.N1108D variant (also known as c.3322A>G), located in coding exon 15 of the MECOM gene, results from an A to G substitution at nucleotide position 3322. The asparagine at codon 1108 is replaced by aspartic acid, an amino acid with highly similar properties. This amino acid position is conserved. In addition, this alteration is predicted to be tolerated by in silico analysis. Based on the available evidence, the clinical significance of this variant remains unclear.

Labcorp Genetics (formerly Invitae), Labcorp
Classification: Uncertain significance. Last evaluated: 2024-08-07. Review status: criteria provided, single submitter. Criteria: Invitae Variant Classification Sherloc (09022015). Collection method: clinical testing. Allele origin: germline.
Comment: This sequence change replaces asparagine, which is neutral and polar, with aspartic acid, which is acidic and polar, at codon 920 of the MECOM protein (p.Asn920Asp). This variant is present in population databases (rs752722841, gnomAD 0.003%). This variant has not been reported in the literature in individuals affected with MECOM-related conditions. An algorithm developed to predict the effect of missense changes on protein structure and function (PolyPhen-2) suggests that this variant is likely to be tolerated. In summary, the available evidence is currently insufficient to determine the role of this variant in disease. Therefore, it has been classified as a Variant of Uncertain Significance.